The following is an entry in ClinVar:

ClinVar aggregate classification (germline): Uncertain significance (1 of 4 stars; one submission).

Allele frequency attached by ClinVar (database versions not stated): gnomAD exomes below 0.00001 and 0.00001; TOPMed below 0.00001.
gnomAD v4.1: 4 of 1,551,576 alleles (0.00026%); highest among the groups gnomAD compares: Non-Finnish European, 0.00017%; no homozygotes.

Submission:

Labcorp Genetics (formerly Invitae), Labcorp
Classification: Uncertain significance. Last evaluated: 2021-08-12. Review status: criteria provided, single submitter. Criteria: Invitae Variant Classification Sherloc (09022015). Collection method: clinical testing. Allele origin: germline.
Comment: This sequence change replaces alanine with valine at codon 743 of the ZSWIM6 protein (p.Ala743Val). The alanine residue is highly conserved and there is a small physicochemical difference between alanine and valine. This variant is not present in population databases (ExAC no frequency). This variant has not been reported in the literature in individuals affected with ZSWIM6-related conditions. Algorithms developed to predict the effect of missense changes on protein structure and function are either unavailable or do not agree on the potential impact of this missense change (SIFT: "Deleterious"; PolyPhen-2: "Benign"; Align-GVGD: "Class C0"). In summary, the available evidence is currently insufficient to determine the role of this variant in disease. Therefore, it has been classified as a Variant of Uncertain Significance.

NM_020928.2(ZSWIM6):c.2228C>T (p.Ala743Val)

Gene: ZSWIM6 (zinc finger SWIM-type containing 6; plus strand). Cytogenetic location: 5q12.1.
Variant type: single nucleotide variant.
Coding change: c.2228C>T on transcript NM_020928.2 (MANE Select); coding-DNA position 2228, C replaced by T.
Protein change: p.Ala743Val; replaces alanine 743 with valine.
Molecular consequence: missense variant.
Genome position (GRCh38, 1-based): chr5:61,531,708, C>T. VCF-style: chr5-61531708-C-T. GRCh37 (hg19) VCF-style: chr5-60827535-C-T.
Other names: short protein forms A743V.
Identifiers: ClinVar variation 1444163 (VCV001444163.3), dbSNP rs1158084205, ClinGen allele CA359944874.